The following is an entry in ClinVar:

ClinVar aggregate classification (germline): Uncertain significance (1 of 4 stars; one submission).

Allele frequency attached by ClinVar (database versions not stated): TOPMed 0.00002; gnomAD 0.00004.
gnomAD v4.1: 31 of 1,614,122 alleles (0.0019%); highest among the groups gnomAD compares: South Asian, 0.012%; no homozygotes.

Submission:

Labcorp Genetics (formerly Invitae), Labcorp
Classification: Uncertain significance. Last evaluated: 2024-10-07. Review status: criteria provided, single submitter. Criteria: Invitae Variant Classification Sherloc (09022015). Collection method: clinical testing. Allele origin: germline.
Comment: This sequence change replaces valine, which is neutral and non-polar, with methionine, which is neutral and non-polar, at codon 211 of the OSBPL2 protein (p.Val211Met). This variant is present in population databases (rs201837368, gnomAD 0.01%). This variant has not been reported in the literature in individuals affected with OSBPL2-related conditions. ClinVar contains an entry for this variant (Variation ID: 2139688). An algorithm developed to predict the effect of missense changes on protein structure and function (PolyPhen-2) suggests that this variant is likely to be disruptive. In summary, the available evidence is currently insufficient to determine the role of this variant in disease. Therefore, it has been classified as a Variant of Uncertain Significance.

NM_144498.4(OSBPL2):c.631G>A (p.Val211Met)

Gene: OSBPL2 (oxysterol binding protein like 2; plus strand). Cytogenetic location: 20q13.33.
Variant type: single nucleotide variant.
Coding change: c.631G>A on transcript NM_144498.4 (MANE Select); coding-DNA position 631, G replaced by A.
Protein change: p.Val211Met; replaces valine 211 with methionine.
Molecular consequence: missense variant.
Genome position (GRCh38, 1-based): chr20:62,279,296, G>A. VCF-style: chr20-62279296-G-A. GRCh37 (hg19) VCF-style: chr20-60854352-G-A.
Other names: c.355G>A, p.Val119Met (NM_001278649.3, NM_001363878.2); c.595G>A, p.Val199Met (NM_014835.5); short protein forms V119M, V199M, V211M.
Identifiers: ClinVar variation 2139688 (VCV002139688.4), dbSNP rs201837368, ClinGen allele CA9938513.